The following is an entry in ClinVar:

NM_000182.5(HADHA):c.1196G>A (p.Arg399Gln)

Genes: HADHA (hydroxyacyl-CoA dehydrogenase trifunctional multienzyme complex subunit alpha; minus strand), GAREM2 (GRB2 associated regulator of MAPK1 subtype 2; plus strand). Cytogenetic location: 2p23.3.
Variant type: single nucleotide variant.
Coding change: c.1196G>A on transcript NM_000182.5 (MANE Select); coding-DNA position 1196, G replaced by A.
Protein change: p.Arg399Gln; replaces arginine 399 with glutamine.
Molecular consequence: missense variant.
Genome position (GRCh38, 1-based): chr2:26,204,086, C>T on the plus strand (G>A on the coding strand, the complement: HADHA is on the minus strand). VCF-style: chr2-26204086-C-T. GRCh37 (hg19) VCF-style: chr2-26426955-C-T.
Other names: short protein forms R399Q.
Identifiers: ClinVar variation 570488 (VCV000570488.14), dbSNP rs200715496, ClinGen allele CA1559645.

ClinVar aggregate classification (germline): Uncertain significance. Review status: criteria provided, multiple submitters, no conflicts (2 of 4 stars). 5 submissions from 5 submitters: Uncertain significance (4). 1 of the submissions does not count toward it. Last evaluated 2025-01-15.

Conditions:
HADHA-related disorder. Also called: HADHA-related disorders; HADHA-related condition.
Long chain 3-hydroxyacyl-CoA dehydrogenase deficiency. Also called: Deficiency of long-chain 3-hydroxyacyl-coenzyme A dehydrogenase; LCHAD Deficiency. Identifiers: Orphanet 5, MedGen C3711645, MONDO:0012173, OMIM 609016.
Mitochondrial trifunctional protein deficiency. Identifiers: Orphanet 746, MedGen C1969443, MONDO:0012172.
Inborn genetic diseases. Identifiers: MedGen C0950123, MeSH D030342.

Allele frequency attached by ClinVar (database versions not stated): gnomAD exomes 0.00002 and 0.00004; TOPMed 0.00003; ExAC 0.00006; gnomAD 0.00001.
gnomAD v4.1: 32 of 1,613,864 alleles (0.002%); highest among the groups gnomAD compares: South Asian, 0.0088%; no homozygotes.

Submissions (5):

PreventionGenetics, part of Exact Sciences
Classification: Uncertain significance for HADHA-related condition. Last evaluated: 2025-01-15. Review status: criteria provided, single submitter. Criteria: ACMG Guidelines, 2015. Collection method: clinical testing. Allele origin: germline.
Comment: The HADHA c.1196G>A variant is predicted to result in the amino acid substitution p.Arg399Gln. To our knowledge, this variant has not been reported in the literature. This variant is reported in 0.014% of alleles in individuals of European (Finnish) descent in gnomAD. At this time, the clinical significance of this variant is uncertain due to the absence of conclusive functional and genetic evidence.

Ambry Genetics
Classification: Uncertain significance for Inborn genetic diseases. Last evaluated: 2024-12-14. Review status: criteria provided, single submitter. Criteria: Ambry Variant Classification Scheme 2023. Collection method: clinical testing. Allele origin: germline.

Labcorp Genetics (formerly Invitae), Labcorp
Classification: Uncertain significance for Mitochondrial trifunctional protein deficiency; Long chain 3-hydroxyacyl-CoA dehydrogenase deficiency. Last evaluated: 2024-11-13. Review status: criteria provided, single submitter. Criteria: Invitae Variant Classification Sherloc (09022015). Collection method: clinical testing. Allele origin: germline.
Comment: This sequence change replaces arginine, which is basic and polar, with glutamine, which is neutral and polar, at codon 399 of the HADHA protein (p.Arg399Gln). This variant is present in population databases (rs200715496, gnomAD 0.02%). This variant has not been reported in the literature in individuals affected with HADHA-related conditions. ClinVar contains an entry for this variant (Variation ID: 570488). Invitae Evidence Modeling of protein sequence and biophysical properties (such as structural, functional, and spatial information, amino acid conservation, physicochemical variation, residue mobility, and thermodynamic stability) indicates that this missense variant is not expected to disrupt HADHA protein function with a negative predictive value of 80%. In summary, the available evidence is currently insufficient to determine the role of this variant in disease. Therefore, it has been classified as a Variant of Uncertain Significance.

Mayo Clinic Laboratories, Mayo Clinic
Classification: Uncertain significance. Last evaluated: 2020-09-10. Review status: criteria provided, single submitter. Criteria: ACMG Guidelines, 2015. Collection method: clinical testing. Allele origin: germline. Observed: 1 variant allele.

Natera, Inc.
Classification: Uncertain significance for Deficiency of long-chain 3-hydroxyacyl-coenzyme A dehydrogenase. Last evaluated: 2020-09-16. Review status: no assertion criteria provided. Collection method: clinical testing. Allele origin: germline. Not counted in ClinVar's aggregate classification.